The following is an entry in ClinVar:

NM_000218.3(KCNQ1):c.804C>T (p.Ile268=)

Gene: KCNQ1 (potassium voltage-gated channel subfamily Q member 1; plus strand). Cytogenetic location: 11p15.5.
Variant type: single nucleotide variant.
Coding change: c.804C>T on transcript NM_000218.3 (MANE Select); coding-DNA position 804, C replaced by T.
Protein change: p.Ile268=; no amino-acid change (isoleucine 268 retained).
Molecular consequence: synonymous variant. On other transcripts: intron variant (1).
Genome position (GRCh38, 1-based): chr11:2,572,869, C>T. VCF-style: chr11-2572869-C-T. GRCh37 (hg19) VCF-style: chr11-2594099-C-T.
Other names: c.804C>T, p.Ile268= (NM_001406836.1); c.534C>T, p.Ile178= (NM_001406837.1); c.423C>T, p.Ile141= (NM_181798.2); c.478-10566C>T (NM_001406838.1).
Identifiers: ClinVar variation 379083 (VCV000379083.26), dbSNP rs373227792, ClinGen allele CA040745.

ClinVar aggregate classification (germline): Likely benign. Review status: criteria provided, multiple submitters, no conflicts (2 of 4 stars). 7 submissions from 7 submitters: Likely benign (7). Last evaluated 2026-02-02.

Conditions:
Cardiovascular phenotype. Identifiers: MedGen CN230736.
Long QT syndrome (LQTS). Identifiers: MedGen C0023976, MeSH D008133, MONDO:0002442. Disease mechanism: loss of function. Inheritance: Various modes of inheritance.
Cardiac arrhythmia. Also called: Cardiac rhythm disease; Arrhythmia. Identifiers: MedGen C0003811, MONDO:0007263, HP:0011675.

Allele frequency attached by ClinVar (database versions not stated): gnomAD exomes 0.00003; TOPMed 0.00004; ExAC 0.00005; gnomAD 0.00007 and 0.00008; ESP Exome Variant Server 0.00008.
gnomAD v4.1: 54 of 1,613,708 alleles (0.0033%); highest among the groups gnomAD compares: Middle Eastern, 0.033%; no homozygotes.

Submissions (7):

Labcorp Genetics (formerly Invitae), Labcorp
Classification: Likely benign for Long QT syndrome. Last evaluated: 2026-02-02. Review status: criteria provided, single submitter. Criteria: Invitae Variant Classification Sherloc (09022015). Collection method: clinical testing. Allele origin: germline.

Blueprint Genetics
Classification: Likely benign. Last evaluated: 2024-02-15. Review status: criteria provided, single submitter. Criteria: ACMG Guidelines, 2015. Collection method: clinical testing. Allele origin: germline.

All of Us Research Program, National Institutes of Health
Classification: Likely benign for Long QT syndrome. Last evaluated: 2023-12-01. Review status: criteria provided, single submitter. Criteria: ACMG Guidelines, 2015. Collection method: clinical testing. Allele origin: germline. Inheritance: Autosomal dominant inheritance. Observed: 20 variant alleles, 20 heterozygotes.
Comment: This study involves interpretation of variants in research participants for the purpose of population health screening. Participant phenotype was not available at the time of variant classification. Additional details can be found in publication PMID: 35346344, PMCID: PMC8962531

Color Diagnostics, LLC DBA Color Health
Classification: Likely benign for Arrhythmia. Last evaluated: 2018-05-08. Review status: criteria provided, single submitter. Criteria: ACMG Guidelines, 2015. Collection method: clinical testing. Allele origin: germline.

GeneDx
Classification: Likely benign. Last evaluated: 2016-10-19. Review status: criteria provided, single submitter. Criteria: GeneDx Variant Classification (06012015). Collection method: clinical testing. Allele origin: germline. Affected: yes.
Comment: This variant is considered likely benign or benign based on one or more of the following criteria: it is a conservative change, it occurs at a poorly conserved position in the protein, it is predicted to be benign by multiple in silico algorithms, and/or has population frequency not consistent with disease.

Ambry Genetics
Classification: Likely benign for Cardiovascular phenotype. Last evaluated: 2016-04-18. Review status: criteria provided, single submitter. Criteria: Ambry Variant Classification Scheme 2023. Collection method: clinical testing. Allele origin: germline.

Laboratory for Molecular Medicine, Mass General Brigham Personalized Medicine
Classification: Likely benign. Last evaluated: 2012-04-30. Review status: criteria provided, single submitter. Criteria: LMM Criteria. Collection method: clinical testing. Allele origin: germline. Observed: 1 variant allele.
Comment: Ile268Ile in Exon 06 of KCNQ1: This variant is not expected to have clinical significance because it does not alter an amino acid residue, is not located within the splice consensus sequence, and has been identified in 1/7018 European American chromosomes from a broad population by the NHLBI Exome Sequencing Project.